The following is an entry in ClinVar:

ClinVar aggregate classification (germline): Pathogenic. Review status: criteria provided, single submitter (1 of 4 stars). 2 submissions from 2 submitters: Pathogenic (1). 1 of the submissions does not count toward it. Last evaluated 2021-02-22.

Conditions:
Porencephaly-microcephaly-bilateral congenital cataract syndrome. Identifiers: Orphanet 306547, MedGen C3151000, MONDO:0013394, OMIM 613730.

Submissions (2):

Labcorp Genetics (formerly Invitae), Labcorp
Classification: Pathogenic. Last evaluated: 2021-02-22. Review status: criteria provided, single submitter. Criteria: Invitae Variant Classification Sherloc (09022015). Collection method: clinical testing. Allele origin: germline.
Comment: This variant has not been reported in the literature in individuals with JAM3-related conditions. For these reasons, this variant has been classified as Pathogenic. The frequency data for this variant in the population databases is considered unreliable, as metrics indicate poor data quality at this position in the ExAC database. This sequence change creates a premature translational stop signal (p.Val249Glyfs*28) in the JAM3 gene. It is expected to result in an absent or disrupted protein product. Loss-of-function variants in JAM3 are known to be pathogenic (PMID: 21109224, 23255084).

Molecular Laboratory of the Institute of Human Genetics, Galilee Medical Center
Classification: Pathogenic for Porencephaly-microcephaly-bilateral congenital cataract syndrome. Review status: no assertion criteria provided. Collection method: research. Allele origin: inherited. Inheritance: Autosomal recessive inheritance. Affected: yes. Not counted in ClinVar's aggregate classification.

Literature cited by the submitters: PubMed 21109224 (cited by Labcorp Genetics (formerly Invitae), Labcorp); PubMed 23255084 (cited by Labcorp Genetics (formerly Invitae), Labcorp); DOI 10.3389/fped.2023.1178280 (cited by Molecular Laboratory of the Institute of Human Genetics, Galilee Medical Center).

NM_032801.5(JAM3):c.745dup (p.Val249fs)

Gene: JAM3 (junctional adhesion molecule 3; plus strand). Cytogenetic location: 11q25.
Variant type: Duplication.
Coding change: c.745dup on transcript NM_032801.5 (MANE Select); coding-DNA position 745, one base duplicated (G; older notation c.745dupG).
Protein change: p.Val249fs; shifts the reading frame from valine 249.
Molecular consequence: frameshift variant.
Genome position (GRCh38, 1-based): chr11:134,148,579, G duplicated; the last of 7 consecutive G bases (chr11:134,148,573-134,148,579); duplicating any one gives the same sequence. VCF-style (leftmost placement, unchanged base first): chr11-134148572-T-TG. GRCh37 (hg19) VCF-style: chr11-134018467-T-TG.
Other names: c.592dup, p.Val198fs (NM_001205329.2); short protein forms V249fs, V198fs.
Identifiers: ClinVar variation 1457137 (VCV001457137.6), dbSNP rs763250381, ClinGen allele CA6370188.